The following is an entry in ClinVar:

NM_006796.3(AFG3L2):c.1973A>G (p.Tyr658Cys)

Gene: AFG3L2 (AFG3 like matrix AAA peptidase subunit 2; minus strand). Cytogenetic location: 18p11.21.
Variant type: single nucleotide variant.
Coding change: c.1973A>G on transcript NM_006796.3 (MANE Select); coding-DNA position 1973, A replaced by G.
Protein change: p.Tyr658Cys; replaces tyrosine 658 with cysteine.
Molecular consequence: missense variant.
Genome position (GRCh38, 1-based): chr18:12,340,208, T>C on the plus strand (A>G on the coding strand, the complement: AFG3L2 is on the minus strand). VCF-style: chr18-12340208-T-C. GRCh37 (hg19) VCF-style: chr18-12340207-T-C.
Other names: short protein forms Y658C.
Identifiers: ClinVar variation 4755833 (VCV004755833.1).

ClinVar aggregate classification (germline): Uncertain significance (1 of 4 stars; one submission).

Submission:

GeneDx
Classification: Uncertain significance. Last evaluated: 2025-08-04. Review status: criteria provided, single submitter. Criteria: GeneDx Variant Classification Process June 2021. Collection method: clinical testing. Allele origin: germline. Affected: yes.
Comment: Not observed at significant frequency in large population cohorts (gnomAD); In silico analysis supports that this missense variant has a deleterious effect on protein structure/function; Has not been previously published as pathogenic or benign to our knowledge